The following is an entry in ClinVar:

NM_006015.6(ARID1A):c.281C>A (p.Pro94His)

Gene: ARID1A (AT-rich interaction domain 1A; plus strand). Cytogenetic location: 1p36.11.
Variant type: single nucleotide variant.
Coding change: c.281C>A on transcript NM_006015.6 (MANE Select); coding-DNA position 281, C replaced by A.
Protein change: p.Pro94His; replaces proline 94 with histidine.
Molecular consequence: missense variant.
Genome position (GRCh38, 1-based): chr1:26,696,684, C>A. VCF-style: chr1-26696684-C-A. GRCh37 (hg19) VCF-style: chr1-27023175-C-A.
Other names: c.281C>A, p.Pro94His (NM_139135.4); short protein forms P94H.
Identifiers: ClinVar variation 1367592 (VCV001367592.8), dbSNP rs1314991058, ClinGen allele CA339264784.

ClinVar aggregate classification (germline): Uncertain significance (1 of 4 stars; one submission).

gnomAD v4.1: 3 of 1,324,498 alleles (0.00023%); highest among the groups gnomAD compares: African/African-American, 0.0016%; no homozygotes.

Submission:

Labcorp Genetics (formerly Invitae), Labcorp
Classification: Uncertain significance. Last evaluated: 2025-12-22. Review status: criteria provided, single submitter. Criteria: Invitae Variant Classification Sherloc (09022015). Collection method: clinical testing. Allele origin: germline.
Comment: This sequence change replaces proline, which is neutral and non-polar, with histidine, which is basic and polar, at codon 94 of the ARID1A protein (p.Pro94His). This variant is not present in population databases (gnomAD no frequency). This variant has not been reported in the literature in individuals affected with ARID1A-related conditions. ClinVar contains an entry for this variant (Variation ID: 1367592). Invitae Evidence Modeling of protein sequence and biophysical properties (such as structural, functional, and spatial information, amino acid conservation, physicochemical variation, residue mobility, and thermodynamic stability) indicates that this missense variant is not expected to disrupt ARID1A protein function with a negative predictive value of 95%. In summary, the available evidence is currently insufficient to determine the role of this variant in disease. Therefore, it has been classified as a Variant of Uncertain Significance.